The following is an entry in ClinVar:

NM_000089.4(COL1A2):c.3097G>C (p.Gly1033Arg)

Gene: COL1A2 (collagen type I alpha 2 chain; plus strand). Cytogenetic location: 7q21.3.
Variant type: single nucleotide variant.
Coding change: c.3097G>C on transcript NM_000089.4 (MANE Select); coding-DNA position 3097, G replaced by C.
Protein change: p.Gly1033Arg; replaces glycine 1033 with arginine.
Molecular consequence: missense variant.
Genome position (GRCh38, 1-based): chr7:94,426,522, G>C. VCF-style: chr7-94426522-G-C. GRCh37 (hg19) VCF-style: chr7-94055834-G-C.
Other names: p.Gly1033Arg; short protein forms G1033R.
Identifiers: ClinVar variation 4871886 (VCV004871886.1).

ClinVar aggregate classification (germline): Likely pathogenic (1 of 4 stars; one submission).

Conditions:
Osteogenesis imperfecta, perinatal lethal (OI2). Also called: OSTEOGENESIS IMPERFECTA, TYPE II; OI, TYPE II; OSTEOGENESIS IMPERFECTA CONGENITA; VROLIK TYPE OF OSTEOGENESIS IMPERFECTA; Osteogenesis imperfecta type 2; Osteogenesis imperfecta, dominant perinatal lethal. Identifiers: Orphanet 216804, MedGen C0268358, MONDO:0008147, OMIM 166210.

Submission:

Centre for Mendelian Genomics, University Medical Centre Ljubljana
Classification: Likely pathogenic for Osteogenesis imperfecta, perinatal lethal. Last evaluated: 2026-07-22. Review status: criteria provided, single submitter. Criteria: ACMG Guidelines, 2015. Collection method: clinical testing. Allele origin: germline. Affected: yes. Observed: 1 variant allele.
Comment: The c.3097G>C (p.Gly1033Arg) variant in COL1A2 has not previously been reported in association with human disease in the literature; however, the following evidence favors its pathogenicity. The variant is absent from control populations in gnomAD [PM2]. In silico pathogenicity prediction algorithms uniformly predict a deleterious effect [PP3]. The variant alters a glycine residue in the triple-helical collagen domain (Gly-X-Y), a well-established mechanism of pathogenicity in this gene [PM1_STR]. Based on the evidence presented above, we classify the identified variant as likely pathogenic.